The following is an entry in ClinVar:

ClinVar aggregate classification (germline): Uncertain significance. Review status: criteria provided, multiple submitters, no conflicts (2 of 4 stars). 2 submissions from 2 submitters: Uncertain significance (2). Last evaluated 2025-11-24.

Conditions:
Progressive myoclonic epilepsy type 5. Identifiers: Orphanet 402082, MedGen C5190799.

Allele frequency attached by ClinVar (database versions not stated): gnomAD 0.00001 and 0.00003; gnomAD exomes 0.00001 and 0.00002; ExAC 0.00002; TOPMed 0.00004; ESP Exome Variant Server 0.00008.
gnomAD v4.1: 37 of 1,614,086 alleles (0.0023%); highest among the groups gnomAD compares: Middle Eastern, 0.049%; no homozygotes.

Submissions (2):

Labcorp Genetics (formerly Invitae), Labcorp
Classification: Uncertain significance for Progressive myoclonic epilepsy type 5. Last evaluated: 2025-11-24. Review status: criteria provided, single submitter. Criteria: Invitae Variant Classification Sherloc (09022015). Collection method: clinical testing. Allele origin: germline.
Comment: This sequence change replaces glutamine, which is neutral and polar, with arginine, which is basic and polar, at codon 564 of the PRICKLE2 protein (p.Gln564Arg). This variant is present in population databases (rs372175446, gnomAD 0.003%). This variant has not been reported in the literature in individuals affected with PRICKLE2-related conditions. ClinVar contains an entry for this variant (Variation ID: 971788). An algorithm developed to predict the effect of missense changes on protein structure and function (PolyPhen-2) suggests that this variant is likely to be disruptive. In summary, the available evidence is currently insufficient to determine the role of this variant in disease. Therefore, it has been classified as a Variant of Uncertain Significance.

Ambry Genetics
Classification: Uncertain significance. Last evaluated: 2025-04-03. Review status: criteria provided, single submitter. Criteria: Ambry Variant Classification Scheme 2023. Collection method: clinical testing. Allele origin: germline.

NM_198859.4(PRICKLE2):c.1691A>G (p.Gln564Arg)

Genes: PRICKLE2 (prickle planar cell polarity protein 2; minus strand), PRICKLE2-AS1 (PRICKLE2 antisense RNA 1; plus strand). Cytogenetic location: 3p14.1.
Variant type: single nucleotide variant.
Coding change: c.1691A>G on transcript NM_198859.4 (MANE Select); coding-DNA position 1691, A replaced by G.
Protein change: p.Gln564Arg; replaces glutamine 564 with arginine.
Molecular consequence: missense variant. On other transcripts: non-coding transcript variant (1).
Genome position (GRCh38, 1-based): chr3:64,099,895, T>C on the plus strand (A>G on the coding strand, the complement: PRICKLE2 is on the minus strand). VCF-style: chr3-64099895-T-C. GRCh37 (hg19) VCF-style: chr3-64085571-T-C.
Other names: c.1691A>G, p.Gln564Arg (NM_001370528.1); short protein forms Q564R.
Identifiers: ClinVar variation 971788 (VCV000971788.7), dbSNP rs372175446, ClinGen allele CA2479557.
Genomic context (GRCh38, chr3:64,099,895, plus strand): 5'-GACACATTCATTCCAGAGTCTTTGCTGAGGTCAGGCATGGAAAATCGGGATAGGTGCTCC[T>C]GGCGCTTGGCACCACCATCAGCAGAGAGGCCTGGGGAAGAGAGGAGGGGACCACAGAGAT-3'
Protein context (NP_942559.1, residues 554-574): GLSADGGAKR[Gln564Arg]EHLSRFSMPD